The following is an entry in ClinVar:

NM_014727.3(KMT2B):c.6091A>G (p.Thr2031Ala)

Gene: KMT2B (lysine methyltransferase 2B; plus strand). Cytogenetic location: 19q13.12.
Variant type: single nucleotide variant.
Coding change: c.6091A>G on transcript NM_014727.3 (MANE Select); coding-DNA position 6091, A replaced by G.
Protein change: p.Thr2031Ala; replaces threonine 2031 with alanine.
Molecular consequence: missense variant.
Genome position (GRCh38, 1-based): chr19:35,732,640, A>G. VCF-style: chr19-35732640-A-G. GRCh37 (hg19) VCF-style: chr19-36223541-A-G.
Other names: short protein forms T2031A.
Identifiers: ClinVar variation 4056007 (VCV004056007.1).

ClinVar aggregate classification (germline): Uncertain significance (1 of 4 stars; one submission).

gnomAD v4.1: 2 of 1,609,102 alleles (0.00012%); highest among the groups gnomAD compares: African/African-American, 0.0027%; no homozygotes.

Submission:

GeneDx
Classification: Uncertain significance. Last evaluated: 2025-01-06. Review status: criteria provided, single submitter. Criteria: GeneDx Variant Classification Process June 2021. Collection method: clinical testing. Allele origin: germline. Affected: yes.
Comment: Not observed at significant frequency in large population cohorts (gnomAD); In silico analysis indicates that this missense variant does not alter protein structure/function; Has not been previously published as pathogenic or benign to our knowledge